The following is an entry in ClinVar:

NM_152383.5(DIS3L2):c.938A>G (p.Asn313Ser)

Gene: DIS3L2 (DIS3 like 3'-5' exoribonuclease 2; plus strand). Cytogenetic location: 2q37.1.
Variant type: single nucleotide variant.
Coding change: c.938A>G on transcript NM_152383.5 (MANE Select); coding-DNA position 938, A replaced by G.
Protein change: p.Asn313Ser; replaces asparagine 313 with serine.
Molecular consequence: missense variant. On other transcripts: non-coding transcript variant (1).
Genome position (GRCh38, 1-based): chr2:232,136,707, A>G. VCF-style: chr2-232136707-A-G. GRCh37 (hg19) VCF-style: chr2-233001417-A-G.
Other names: c.938A>G, p.Asn313Ser (NM_001257281.2); short protein forms N313S.
Identifiers: ClinVar variation 531936 (VCV000531936.6), dbSNP rs768529345, ClinGen allele CA2163971.

ClinVar aggregate classification (germline): Uncertain significance (1 of 4 stars; one submission).

Conditions:
Perlman syndrome (PRLMNS). Identifiers: Orphanet 2849, MedGen C0796113, MONDO:0009965, OMIM 267000.

Allele frequency attached by ClinVar (database versions not stated): ExAC 0.00001; gnomAD exomes 0.00002; TOPMed 0.00002.
gnomAD v4.1: 22 of 1,613,800 alleles (0.0014%); highest among the groups gnomAD compares: South Asian, 0.0033%; no homozygotes.

Submission:

Labcorp Genetics (formerly Invitae), Labcorp
Classification: Uncertain significance for Perlman syndrome. Last evaluated: 2024-12-30. Review status: criteria provided, single submitter. Criteria: Invitae Variant Classification Sherloc (09022015). Collection method: clinical testing. Allele origin: germline.
Comment: This sequence change replaces asparagine, which is neutral and polar, with serine, which is neutral and polar, at codon 313 of the DIS3L2 protein (p.Asn313Ser). This variant is present in population databases (rs768529345, gnomAD 0.004%). This variant has not been reported in the literature in individuals affected with DIS3L2-related conditions. ClinVar contains an entry for this variant (Variation ID: 531936). Invitae Evidence Modeling of protein sequence and biophysical properties (such as structural, functional, and spatial information, amino acid conservation, physicochemical variation, residue mobility, and thermodynamic stability) indicates that this missense variant is not expected to disrupt DIS3L2 protein function with a negative predictive value of 80%. In summary, the available evidence is currently insufficient to determine the role of this variant in disease. Therefore, it has been classified as a Variant of Uncertain Significance.